The following is an entry in ClinVar:

NM_153717.3(EVC):c.2276G>A (p.Ser759Asn)

Gene: EVC (EvC ciliary complex subunit 1; plus strand). Cytogenetic location: 4p16.2.
Variant type: single nucleotide variant.
Coding change: c.2276G>A on transcript NM_153717.3 (MANE Select); coding-DNA position 2276, G replaced by A.
Protein change: p.Ser759Asn; replaces serine 759 with asparagine.
Molecular consequence: missense variant.
Genome position (GRCh38, 1-based): chr4:5,798,764, G>A. VCF-style: chr4-5798764-G-A. GRCh37 (hg19) VCF-style: chr4-5800491-G-A.
Other names: c.2276G>A, p.Ser759Asn (NM_001306090.2); short protein forms S759N.
Identifiers: ClinVar variation 349196 (VCV000349196.23), dbSNP rs201776972, ClinGen allele CA2836430.
Genomic context (GRCh38, chr4:5,798,764, plus strand): 5'-ACATGGAGTGCGCCATTGGGCAGGCGCTGCTGGTGCATGCACGGAATGCAGCCACCAAGA[G>A]CCGGGCCAAGGACAGGGATGACTTCAAGGTATGCACTGACCTCTGTCCCTGGGGACACCG-3'
Protein context (NP_714928.1, residues 749-769): LVHARNAATK[Ser759Asn]RAKDRDDFKR

ClinVar aggregate classification (germline): Conflicting classifications of pathogenicity. Review status: criteria provided, conflicting classifications (1 of 4 stars). 7 submissions from 7 submitters: Uncertain significance (2); Likely benign (4). 1 of the submissions does not count toward it. Last evaluated 2026-01-14.

Conditions:
Inborn genetic diseases. Identifiers: MedGen C0950123, MeSH D030342.
EVC-related disorder. Also called: EVC-related condition; EVC-related disorders.
Ellis-van Creveld syndrome (EVC). Also called: Chondroectodermal dysplasia; MESOECTODERMAL DYSPLASIA. Identifiers: Orphanet 289, MedGen C0013903, MONDO:0009162, OMIM 225500.
Curry-Hall syndrome (WAD). Also called: WEYERS ACRODENTAL DYSOSTOSIS. Identifiers: Orphanet 952, MedGen C0457013, MONDO:0008673, OMIM 193530.

Allele frequency attached by ClinVar (database versions not stated): gnomAD 0.00025; gnomAD exomes 0.00029 and 0.00048; TOPMed 0.00045; ExAC 0.00060; 1000 Genomes Project 0.00140; 1000 Genomes Project 30x 0.00141.
gnomAD v4.1: 460 of 1,611,210 alleles (0.029%); highest among the groups gnomAD compares: East Asian, 0.68%; no homozygotes.

Submissions (7):

Labcorp Genetics (formerly Invitae), Labcorp
Classification: Likely benign for Curry-Hall syndrome; Ellis-van Creveld syndrome. Last evaluated: 2026-01-14. Review status: criteria provided, single submitter. Criteria: Invitae Variant Classification Sherloc (09022015). Collection method: clinical testing. Allele origin: germline.

Women's Health and Genetics/Laboratory Corporation of America, LabCorp
Classification: Likely benign. Last evaluated: 2024-11-08. Review status: criteria provided, single submitter. Criteria: LabCorp Variant Classification Summary - May 2015. Collection method: clinical testing. Allele origin: germline.
Comment: Variant summary: EVC c.2276G>A (p.Ser759Asn) results in a conservative amino acid change in the encoded protein sequence. Five of five in-silico tools predict a benign effect of the variant on protein function. The variant allele was found at a frequency of 0.00048 in 244776 control chromosomes, predominantly at a frequency of 0.0056 within the East Asian subpopulation in the gnomAD database. The observed variant frequency within East Asian control individuals in the gnomAD database exceeds the estimated maximal expected allele frequency for a pathogenic variant in EVC causing Ellis-van Creveld syndrome phenotype. To our knowledge, no occurrence of c.2276G>A in individuals affected with Ellis-van Creveld syndrome and no experimental evidence demonstrating its impact on protein function have been reported. ClinVar contains an entry for this variant (Variation ID: 349196). Based on the evidence outlined above, the variant was classified as likely benign.

GeneDx
Classification: Uncertain significance. Last evaluated: 2024-05-01. Review status: criteria provided, single submitter. Criteria: GeneDx Variant Classification Process June 2021. Collection method: clinical testing. Allele origin: germline. Affected: yes.
Comment: In silico analysis indicates that this missense variant does not alter protein structure/function; Has not been previously published as pathogenic or benign to our knowledge

Ambry Genetics
Classification: Uncertain significance for Inborn genetic diseases. Last evaluated: 2023-05-31. Review status: criteria provided, single submitter. Criteria: Ambry Variant Classification Scheme 2023. Collection method: clinical testing. Allele origin: germline.

Illumina Laboratory Services, Illumina
Classification: Likely benign for Ellis-van Creveld syndrome. Last evaluated: 2018-01-13. Review status: criteria provided, single submitter. Criteria: ICSL Variant Classification Criteria 13 December 2019. Collection method: clinical testing. Allele origin: germline.
Comment: This variant was observed in the ICSL laboratory as part of a predisposition screen in an ostensibly healthy population. It had not been previously curated by ICSL or reported in the Human Gene Mutation Database (HGMD: prior to June 1st, 2018), and was therefore a candidate for classification through an automated scoring system. Utilizing variant allele frequency, disease prevalence and penetrance estimates, and inheritance mode, an automated score was calculated to assess if this variant is too frequent to cause the disease. Based on the score and internal cut-off values, a variant classified as likely benign is not then subjected to further curation. The score for this variant resulted in a classification of likely benign for this disease.

Breakthrough Genomics
Classification: Likely benign. Review status: criteria provided, single submitter. Criteria: ACMG Guidelines, 2015. Collection method: not provided. Allele origin: germline. Inheritance: Autosomal recessive inheritance. Affected: yes.

PreventionGenetics, part of Exact Sciences
Classification: Likely benign for EVC-related condition. Last evaluated: 2020-02-20. Review status: no assertion criteria provided. Collection method: clinical testing. Allele origin: germline. Not counted in ClinVar's aggregate classification.
Comment: This variant is classified as likely benign based on ACMG/AMP sequence variant interpretation guidelines (Richards et al. 2015 PMID: 25741868, with internal and published modifications).